The following is an entry in ClinVar:

ClinVar aggregate classification (germline): Uncertain significance (1 of 4 stars; one submission).

Submission:

Labcorp Genetics (formerly Invitae), Labcorp
Classification: Uncertain significance. Last evaluated: 2025-02-16. Review status: criteria provided, single submitter. Criteria: Invitae Variant Classification Sherloc (09022015). Collection method: clinical testing. Allele origin: germline.
Comment: This sequence change falls in intron 15 of the DCHS1 gene. It does not directly change the encoded amino acid sequence of the DCHS1 protein. It affects a nucleotide within the consensus splice site. This variant is not present in population databases (gnomAD no frequency). This variant has not been reported in the literature in individuals affected with DCHS1-related conditions. Variants that disrupt the consensus splice site are a relatively common cause of aberrant splicing (PMID: 17576681, 9536098). Algorithms developed to predict the effect of sequence changes on RNA splicing suggest that this variant is not likely to affect RNA splicing. In summary, the available evidence is currently insufficient to determine the role of this variant in disease. Therefore, it has been classified as a Variant of Uncertain Significance.

Literature cited by the submitters: PubMed 17576681; PubMed 9536098.

NM_003737.4(DCHS1):c.6364+5G>A

Gene: DCHS1 (dachsous cadherin-related 1; minus strand). Cytogenetic location: 11p15.4.
Variant type: single nucleotide variant.
Coding change: c.6364+5G>A on transcript NM_003737.4 (MANE Select); 5 bases into the intron after coding-DNA position 6364, G replaced by A.
Molecular consequence: intron variant.
Genome position (GRCh38, 1-based): chr11:6,626,547, C>T on the plus strand (G>A on the coding strand, the complement: DCHS1 is on the minus strand). VCF-style: chr11-6626547-C-T. GRCh37 (hg19) VCF-style: chr11-6647778-C-T.
Identifiers: ClinVar variation 4770645 (VCV004770645.1).